The following is an entry in ClinVar:

ClinVar aggregate classification (germline): Pathogenic (1 of 4 stars; one submission).

Submission:

Labcorp Genetics (formerly Invitae), Labcorp
Classification: Pathogenic. Last evaluated: 2023-07-25. Review status: criteria provided, single submitter. Criteria: Invitae Variant Classification Sherloc (09022015). Collection method: clinical testing. Allele origin: germline.
Comment: For these reasons, this variant has been classified as Pathogenic. ClinVar contains an entry for this variant (Variation ID: 1406408). This variant has not been reported in the literature in individuals affected with MYO7A-related conditions. This variant is not present in population databases (gnomAD no frequency). This sequence change creates a premature translational stop signal (p.Cys453*) in the MYO7A gene. It is expected to result in an absent or disrupted protein product. Loss-of-function variants in MYO7A are known to be pathogenic (PMID: 8900236, 25404053).

Literature cited by the submitters: PubMed 8900236; PubMed 25404053.

NM_000260.4(MYO7A):c.1359C>A (p.Cys453Ter)

Gene: MYO7A (myosin VIIA; plus strand). Cytogenetic location: 11q13.5.
Variant type: single nucleotide variant.
Coding change: c.1359C>A on transcript NM_000260.4 (MANE Select); coding-DNA position 1359, C replaced by A.
Protein change: p.Cys453Ter; replaces cysteine 453 with a stop codon.
Molecular consequence: nonsense.
Genome position (GRCh38, 1-based): chr11:77,162,135, C>A. VCF-style: chr11-77162135-C-A. GRCh37 (hg19) VCF-style: chr11-76873181-C-A.
Other names: c.1359C>A, p.Cys453Ter (NM_001127180.2); c.1326C>A, p.Cys442Ter (NM_001369365.1); short protein forms C442*, C453*.
Identifiers: ClinVar variation 1406408 (VCV001406408.6), dbSNP rs1555069272, ClinGen allele CA381935223.